The following is an entry in ClinVar:

NM_014822.4(SEC24D):c.2321C>T (p.Ala774Val)

Gene: SEC24D (SEC24 homolog D, COPII component; minus strand). Cytogenetic location: 4q26.
Variant type: single nucleotide variant.
Coding change: c.2321C>T on transcript NM_014822.4 (MANE Select); coding-DNA position 2321, C replaced by T.
Protein change: p.Ala774Val; replaces alanine 774 with valine.
Molecular consequence: missense variant.
Genome position (GRCh38, 1-based): chr4:118,739,205, G>A on the plus strand (C>T on the coding strand, the complement: SEC24D is on the minus strand). VCF-style: chr4-118739205-G-A. GRCh37 (hg19) VCF-style: chr4-119660360-G-A.
Other names: c.2324C>T, p.Ala775Val (NM_001318066.2); short protein forms A774V, A775V.
Identifiers: ClinVar variation 1962423 (VCV001962423.5), dbSNP rs370217528, ClinGen allele CA3057010.

ClinVar aggregate classification (germline): Uncertain significance (1 of 4 stars; one submission).

gnomAD v4.1: 9 of 1,613,500 alleles (0.00056%); highest among the groups gnomAD compares: Non-Finnish European, 0.00076%; no homozygotes.

Submission:

Labcorp Genetics (formerly Invitae), Labcorp
Classification: Uncertain significance. Last evaluated: 2022-10-05. Review status: criteria provided, single submitter. Criteria: Invitae Variant Classification Sherloc (09022015). Collection method: clinical testing. Allele origin: germline.
Comment: This sequence change replaces alanine, which is neutral and non-polar, with valine, which is neutral and non-polar, at codon 774 of the SEC24D protein (p.Ala774Val). This variant is present in population databases (rs370217528, gnomAD 0.002%). This variant has not been reported in the literature in individuals affected with SEC24D-related conditions. Algorithms developed to predict the effect of missense changes on protein structure and function are either unavailable or do not agree on the potential impact of this missense change (SIFT: "Not Available"; PolyPhen-2: "Benign"; Align-GVGD: "Not Available"). In summary, the available evidence is currently insufficient to determine the role of this variant in disease. Therefore, it has been classified as a Variant of Uncertain Significance.